The following is an entry in ClinVar:

NM_001378183.1(PIEZO2):c.2319-4G>T

Gene: PIEZO2 (piezo type mechanosensitive ion channel component 2; minus strand). Cytogenetic location: 18p11.22.
Variant type: single nucleotide variant.
Coding change: c.2319-4G>T on transcript NM_001378183.1 (MANE Select); 4 bases into the intron before coding-DNA position 2319, G replaced by T.
Molecular consequence: intron variant.
Genome position (GRCh38, 1-based): chr18:10,784,961, C>A on the plus strand (G>T on the coding strand, the complement: PIEZO2 is on the minus strand). VCF-style: chr18-10784961-C-A. GRCh37 (hg19) VCF-style: chr18-10784959-C-A.
Other names: c.2319-4G>T (NM_022068.4, NM_001410871.1).
Identifiers: ClinVar variation 3376611 (VCV003376611.1).

ClinVar aggregate classification (germline): Likely benign (1 of 4 stars; one submission).

Conditions:
Marden-Walker syndrome (MWKS). Also called: Connective tissue disorder Marden Walker type. Identifiers: Orphanet 2461, MedGen C0796033, MONDO:0009564, OMIM 248700.

gnomAD v4.1: 18 of 1,524,208 alleles (0.0012%); highest among the groups gnomAD compares: South Asian, 0.014%; no homozygotes.

Submission:

Victorian Clinical Genetics Services, Murdoch Childrens Research Institute
Classification: Likely benign for Marden-Walker syndrome. Last evaluated: 2022-02-02. Review status: criteria provided, single submitter. Criteria: ACMG Guidelines, 2015. Collection method: clinical testing. Allele origin: germline.
Comment: Based on the classification scheme VCGS_Germline_v1.3.4, this variant is classified as Likely benign. Following criteria are met: 0103 - Loss of function and gain of function are known mechanisms of disease in this gene and are associated with arthrogryposis. Loss of function has generally been shown to be caused by NMD variants whereas gain of function has generally been associated with missense variants clustered in the C-terminal (PMID: 30988732). (I) 0108 - This gene is associated with both recessive and dominant disease. This gene is known to be associated with both recessive (NMD variants) and dominant disease (missense variants) (PMID: 30988732). The phenotypes have been recently regarded as etiologically related (PMID: 24726473). (I) 0212 - Non-canonical splice site variant without proven consequence on splicing (no functional evidence available). (SP) 0251 - This variant is heterozygous. (I) 0302 - Variant is present in gnomAD (v3) <0.001 for a dominant condition (3 heterozygotes, 0 homozygotes). (SP) 0506 - Abnormal splicing is not predicted and nucleotide is poorly conserved. (SB) 0705 - No comparable non-canonical splice site variants have previous evidence for pathogenicity. (I) 0807 - This variant has no previous evidence of pathogenicity. (I) 0905 - No published segregation evidence has been identified for this variant. (I) 1007 - No published functional evidence has been identified for this variant. (I) Legend: (SP) - Supporting pathogenic, (I) - Information, (SB) - Supporting benign

Literature cited by the submitters: PubMed 24726473; PubMed 30988732.